The following is an entry in ClinVar:

NM_001277115.2(DNAH11):c.5936T>C (p.Leu1979Pro)

Gene: DNAH11 (dynein axonemal heavy chain 11; plus strand). Cytogenetic location: 7p15.3.
Variant type: single nucleotide variant.
Coding change: c.5936T>C on transcript NM_001277115.2 (MANE Select); coding-DNA position 5936, T replaced by C.
Protein change: p.Leu1979Pro; replaces leucine 1979 with proline.
Molecular consequence: missense variant.
Genome position (GRCh38, 1-based): chr7:21,690,776, T>C. VCF-style: chr7-21690776-T-C. GRCh37 (hg19) VCF-style: chr7-21730394-T-C.
Other names: short protein forms L1979P.
Identifiers: ClinVar variation 196944 (VCV000196944.17), dbSNP rs772070316, ClinGen allele CA244772.
Genomic context (GRCh38, chr7:21,690,776, plus strand): 5'-TCATATTCAATGAACACATTTAATTTCATCAACATTCTTTTTATGGTAGATTTGTATTTC[T>C]TGGGGAAGCTATCACACTGAAGCCATCAGTTGGAATATTTATTACTATGAACCCGGGTTA-3'
Protein context (NP_001264044.1, residues 1969-1989): IRNRKKRFVF[Leu1979Pro]GEAITLKPSV

ClinVar aggregate classification (germline): Conflicting classifications of pathogenicity. Review status: criteria provided, conflicting classifications (1 of 4 stars). 3 submissions from 3 submitters: Uncertain significance (2); Benign (1). Last evaluated 2025-11-16.

Conditions:
Primary ciliary dyskinesia. Also called: Ciliary dyskinesia. Identifiers: Orphanet 244, MedGen C0008780, MONDO:0016575, HP:0012265.

Allele frequency attached by ClinVar (database versions not stated): ExAC 0.00002; gnomAD 0.00003; gnomAD exomes 0.00003 and 0.00011; TOPMed 0.00005.
gnomAD v4.1: 163 of 1,607,228 alleles (0.01%); highest among the groups gnomAD compares: Non-Finnish European, 0.013%; no homozygotes.

Submissions (3):

Labcorp Genetics (formerly Invitae), Labcorp
Classification: Benign for Primary ciliary dyskinesia. Last evaluated: 2025-11-16. Review status: criteria provided, single submitter. Criteria: Invitae Variant Classification Sherloc (09022015). Collection method: clinical testing. Allele origin: germline.

Ambry Genetics
Classification: Uncertain significance for Primary ciliary dyskinesia. Last evaluated: 2016-04-13. Review status: criteria provided, single submitter. Criteria: Ambry Variant Classification Scheme 2023. Collection method: clinical testing. Allele origin: germline.
Comment: The p.L1979P variant (also known as c.5936T>C), located in coding exon 35 of the DNAH11 gene, results from a T to C substitution at nucleotide position 5936. The leucine at codon 1979 is replaced by proline, an amino acid with similar properties. This variant was not reported in population based cohorts in the following databases: Database of Single Nucleotide Polymorphisms (dbSNP), NHLBI Exome Sequencing Project (ESP), and 1000 Genomes Project. In the ESP, this variant was not observed in 5917 samples (11834 alleles) with coverage at this position. This amino acid position is highly conserved in available vertebrate species. In addition, this alteration is predicted to be deleterious by SIFT in silico analysis. Since supporting evidence is limited at this time, the clinical significance of this variant remains unclear.

Eurofins Ntd Llc (ga)
Classification: Uncertain significance. Last evaluated: 2015-04-30. Review status: criteria provided, single submitter. Criteria: EGL Classification Definitions 2015. Collection method: clinical testing. Allele origin: germline. Observed: 1 variant allele, 1 heterozygote.